The following is an entry in ClinVar:

NC_012920.1(MT-ND4):m.11363G>A

Gene: MT-ND4 (mitochondrially encoded NADH dehydrogenase 4; plus strand).
Variant type: single nucleotide variant.
Genome position: chrM-11363-G-A.
Identifiers: ClinVar variation 693364 (VCV000693364.1), dbSNP rs1603223261, ClinGen allele CA414810031.

ClinVar aggregate classification (germline): Uncertain significance (1 of 4 stars; one submission).

Conditions:
Leigh syndrome (NULS). Also called: Leigh's necrotizing encephalopathy; Leigh's disease; Leigh Syndrome (mtDNA deletion); Leigh Disease; Subacute necrotizing encephalopathy; Necrotizing encephalopathy infantile subacute of Leigh. Identifiers: Orphanet 506, MedGen C2931891, MONDO:0009723, OMIM 256000.

Submission:

Wong Mito Lab, Molecular and Human Genetics, Baylor College of Medicine
Classification: Uncertain significance for Leigh syndrome. Last evaluated: 2019-10-17. Review status: criteria provided, single submitter. Criteria: Modified ACMG Guidelines (Unpublished). Collection method: clinical testing. Allele origin: germline.
Comment: The NC_012920.1:m.11363G>A (YP_003024035.1:p.Ala202Thr) variant in MTND4 gene is interpretated to be a Uncertain Significance variant based on the modified ACMG guidelines (unpublished). This variant meets the following evidence codes: PP3